The following is an entry in ClinVar:

ClinVar aggregate classification (germline): Pathogenic (1 of 4 stars; one submission).

Conditions:
Hereditary cancer-predisposing syndrome. Also called: Neoplastic Syndromes, Hereditary; Tumor predisposition; Hereditary Cancer Syndrome; Hereditary neoplastic syndrome. Identifiers: Orphanet 140162, MedGen C0027672, MeSH D009386, MONDO:0015356.

Submission:

Ambry Genetics
Classification: Pathogenic for Hereditary cancer-predisposing syndrome. Last evaluated: 2025-11-04. Review status: criteria provided, single submitter. Criteria: Ambry Variant Classification Scheme 2023. Collection method: clinical testing. Allele origin: germline.
Comment: The c.5283delC pathogenic mutation, located in coding exon 23 of the DICER1 gene, results from a deletion of one nucleotide at nucleotide position 5283, causing a translational frameshift with a predicted alternate stop codon (p.S1762Lfs*76). This alteration is expected to result in loss of function by premature protein truncation or nonsense-mediated mRNA decay. As such, this alteration is interpreted as a disease-causing mutation.

NM_177438.3(DICER1):c.5283del (p.Ser1762fs)

Gene: DICER1 (dicer 1, ribonuclease III; minus strand). Cytogenetic location: 14q32.13.
Variant type: Deletion.
Coding change: c.5283del on transcript NM_177438.3 (MANE Select); coding-DNA position 5283, one base deleted (C; older notation c.5283delC).
Protein change: p.Ser1762fs; shifts the reading frame from serine 1762.
Molecular consequence: frameshift variant. On other transcripts: non-coding transcript variant (6).
Genome position (GRCh38, 1-based): chr14:95,093,969, G deleted on the plus strand (C on the coding strand, the reverse complement: DICER1 is on the minus strand). VCF-style (leftmost placement, unchanged base first): chr14-95093968-AG-A. GRCh37 (hg19) VCF-style: chr14-95560305-AG-A.
Other names: c.5283del, p.Ser1762fs (NM_001195573.1, NM_001271282.3, NM_001291628.2 and 8 more transcripts); c.5001del, p.Ser1668fs (NM_001395686.1); c.4878del, p.Ser1627fs (NM_001395687.1, NM_001395688.1, NM_001395689.1 and 1 more transcripts); c.4716del, p.Ser1573fs (NM_001395691.1); c.3600del, p.Ser1201fs (NM_001395697.1); short protein forms S1668fs, S1762fs, S1627fs, S1573fs, S1201fs.
Identifiers: ClinVar variation 4637485 (VCV004637485.1).